The following is an entry in ClinVar:

NM_000540.3(RYR1):c.9679C>A (p.Arg3227=)

Gene: RYR1 (ryanodine receptor 1; plus strand). Cytogenetic location: 19q13.2.
Variant type: single nucleotide variant.
Coding change: c.9679C>A on transcript NM_000540.3 (MANE Select); coding-DNA position 9679, C replaced by A.
Protein change: p.Arg3227=; no amino-acid change (arginine 3227 retained).
Molecular consequence: synonymous variant.
Genome position (GRCh38, 1-based): chr19:38,516,211, C>A. VCF-style: chr19-38516211-C-A. GRCh37 (hg19) VCF-style: chr19-39006851-C-A.
Other names: c.9679C>A, p.Arg3227= (NM_001042723.2).
Identifiers: ClinVar variation 704893 (VCV000704893.9), dbSNP rs765250427, ClinGen allele CA507247004.

ClinVar aggregate classification (germline): Likely benign. Review status: criteria provided, multiple submitters, no conflicts (2 of 4 stars). 2 submissions from 2 submitters: Likely benign (2). Last evaluated 2026-09-01.

Conditions:
RYR1-related disorder. Also called: RYR1-related disorders; RYR1-related condition. Identifiers: MedGen CN239331.

Allele frequency attached by ClinVar (database versions not stated): TOPMed 0.00001.
gnomAD v4.1: 9 of 1,585,682 alleles (0.00057%); highest among the groups gnomAD compares: Admixed American, 0.012%; no homozygotes.

Submissions (2):

CeGaT Center for Human Genetics Tuebingen
Classification: Likely benign. Last evaluated: 2026-09-01. Review status: criteria provided, single submitter. Criteria: CeGaT Center For Human Genetics Tuebingen Variant Classification Criteria Version 2. Collection method: clinical testing. Allele origin: germline. Affected: yes. Observed: 1 variant allele.
Comment: RYR1: BP4, BP7

Labcorp Genetics (formerly Invitae), Labcorp
Classification: Likely benign for RYR1-related disorder. Last evaluated: 2024-10-08. Review status: criteria provided, single submitter. Criteria: Invitae Variant Classification Sherloc (09022015). Collection method: clinical testing. Allele origin: germline.